The following is an entry in ClinVar:

ClinVar aggregate classification (germline): Uncertain significance (1 of 4 stars; one submission).

Conditions:
Multiple congenital anomalies-hypotonia-seizures syndrome 2 (MCAHS2). Also called: GLYCOSYLPHOSPHATIDYLINOSITOL BIOSYNTHESIS DEFECT 4; EPILEPTIC ENCEPHALOPATHY, EARLY INFANTILE, 20. Identifiers: Orphanet 300496, MedGen C3275508, MONDO:0010466, OMIM 300868.

Submission:

Labcorp Genetics (formerly Invitae), Labcorp
Classification: Uncertain significance for Multiple congenital anomalies-hypotonia-seizures syndrome 2. Last evaluated: 2024-05-08. Review status: criteria provided, single submitter. Criteria: Invitae Variant Classification Sherloc (09022015). Collection method: clinical testing. Allele origin: germline.
Comment: This sequence change replaces isoleucine, which is neutral and non-polar, with methionine, which is neutral and non-polar, at codon 377 of the PIGA protein (p.Ile377Met). This variant is not present in population databases (gnomAD no frequency). This variant has not been reported in the literature in individuals affected with PIGA-related conditions. ClinVar contains an entry for this variant (Variation ID: 1351323). Advanced modeling of protein sequence and biophysical properties (such as structural, functional, and spatial information, amino acid conservation, physicochemical variation, residue mobility, and thermodynamic stability) performed at Invitae indicates that this missense variant is not expected to disrupt PIGA protein function with a negative predictive value of 95%. In summary, the available evidence is currently insufficient to determine the role of this variant in disease. Therefore, it has been classified as a Variant of Uncertain Significance.

NM_002641.4(PIGA):c.1131C>G (p.Ile377Met)

Gene: PIGA (phosphatidylinositol glycan anchor biosynthesis class A; minus strand). Cytogenetic location: Xp22.2.
Variant type: single nucleotide variant.
Coding change: c.1131C>G on transcript NM_002641.4 (MANE Select); coding-DNA position 1131, C replaced by G.
Protein change: p.Ile377Met; replaces isoleucine 377 with methionine.
Molecular consequence: missense variant. On other transcripts: non-coding transcript variant (2).
Genome position (GRCh38, 1-based): chrX:15,324,722, G>C on the plus strand (C>G on the coding strand, the complement: PIGA is on the minus strand). VCF-style: chrX-15324722-G-C. GRCh37 (hg19) VCF-style: chrX-15342844-G-C.
Other names: c.429C>G, p.Ile143Met (NM_020473.3); short protein forms I143M, I377M.
Identifiers: ClinVar variation 1351323 (VCV001351323.6), dbSNP rs2147717377, ClinGen allele CA412335244.